The following is an entry in ClinVar:

NM_153717.3(EVC):c.1333A>C (p.Lys445Gln)

Gene: EVC (EvC ciliary complex subunit 1; plus strand). Cytogenetic location: 4p16.2.
Variant type: single nucleotide variant.
Coding change: c.1333A>C on transcript NM_153717.3 (MANE Select); coding-DNA position 1333, A replaced by C.
Protein change: p.Lys445Gln; replaces lysine 445 with glutamine.
Molecular consequence: missense variant.
Genome position (GRCh38, 1-based): chr4:5,753,802, A>C. VCF-style: chr4-5753802-A-C. GRCh37 (hg19) VCF-style: chr4-5755529-A-C.
Other names: c.1333A>C, p.Lys445Gln (NM_001306090.2, NM_001306092.2); short protein forms K445Q.
Identifiers: ClinVar variation 349175 (VCV000349175.27), dbSNP rs116952023, ClinGen allele CA2836073.

ClinVar aggregate classification (germline): Benign/Likely benign. Review status: criteria provided, multiple submitters, no conflicts (2 of 4 stars). 9 submissions from 9 submitters: Benign (4); Likely benign (1). 4 of the submissions do not count toward it. Last evaluated 2026-06-02.

Conditions:
EVC-related disorder. Also called: EVC-related condition; EVC-related disorders.
Curry-Hall syndrome (WAD). Also called: WEYERS ACRODENTAL DYSOSTOSIS. Identifiers: Orphanet 952, MedGen C0457013, MONDO:0008673, OMIM 193530.
Ellis-van Creveld syndrome (EVC). Also called: MESOECTODERMAL DYSPLASIA; Chondroectodermal dysplasia. Identifiers: Orphanet 289, MedGen C0013903, MONDO:0009162, OMIM 225500.

Allele frequency attached by ClinVar (database versions not stated): ESP Exome Variant Server 0.00015; gnomAD exomes 0.00111 and 0.00294; TOPMed 0.00124; gnomAD 0.00150 and 0.00182; ExAC 0.00276; 1000 Genomes Project 30x 0.00578; 1000 Genomes Project 0.00659.
gnomAD v4.1: 2,095 of 1,614,162 alleles (0.13%); highest among the groups gnomAD compares: East Asian, 1.8%; 21 homozygotes.

Submissions (9):

Women's Health and Genetics/Laboratory Corporation of America, LabCorp
Classification: Benign. Last evaluated: 2026-06-02. Review status: criteria provided, single submitter. Criteria: LabCorp Variant Classification Summary - May 2015. Collection method: clinical testing. Allele origin: germline.
Comment: Variant summary: EVC c.1333A>C (p.Lys445Gln) results in a conservative amino acid change in the encoded protein sequence. Algorithms developed to predict the effect of missense changes on protein structure and function are either unavailable or do not agree on the potential impact of this missense change. The variant allele was found at a frequency of 0.0029 in 251464 control chromosomes, predominantly at a frequency of 0.024 within the East Asian subpopulation in the gnomAD database, including 5 homozygotes. The observed variant frequency within East Asian control individuals in the gnomAD database exceeds the estimated maximal expected allele frequency for disease-causing variants in EVC. To our knowledge, no occurrence of c.1333A>C in individuals affected with EVC-related conditions and no experimental evidence demonstrating its impact on protein function have been reported. ClinVar contains an entry for this variant (Variation ID: 349175). Based on the evidence outlined above, the variant was classified as benign.

Labcorp Genetics (formerly Invitae), Labcorp
Classification: Benign for Curry-Hall syndrome; Ellis-van Creveld syndrome. Last evaluated: 2026-02-01. Review status: criteria provided, single submitter. Criteria: Invitae Variant Classification Sherloc (09022015). Collection method: clinical testing. Allele origin: germline.

Blueprint Genetics
Classification: Likely benign. Last evaluated: 2024-10-28. Review status: criteria provided, single submitter. Criteria: ACMG Guidelines, 2015. Collection method: clinical testing. Allele origin: germline.

GeneDx
Classification: Benign. Last evaluated: 2020-01-14. Review status: criteria provided, single submitter. Criteria: GeneDx Variant Classification Process June 2021. Collection method: clinical testing. Allele origin: germline. Affected: yes.
Comment: This variant is associated with the following publications: (PMID: 29257216)

Illumina Laboratory Services, Illumina
Classification: Benign for Ellis-van Creveld syndrome. Last evaluated: 2018-01-13. Review status: criteria provided, single submitter. Criteria: ICSL Variant Classification Criteria 13 December 2019. Collection method: clinical testing. Allele origin: germline.
Comment: This variant was observed in the ICSL laboratory as part of a predisposition screen in an ostensibly healthy population. It had not been previously curated by ICSL or reported in the Human Gene Mutation Database (HGMD: prior to June 1st, 2018), and was therefore a candidate for classification through an automated scoring system. Utilizing variant allele frequency, disease prevalence and penetrance estimates, and inheritance mode, an automated score was calculated to assess if this variant is too frequent to cause the disease. Based on the score and internal cut-off values, a variant classified as benign is not then subjected to further curation. The score for this variant resulted in a classification of benign for this disease.

Natera, Inc.
Classification: Benign for Ellis-van Creveld syndrome. Last evaluated: 2021-02-26. Review status: no assertion criteria provided. Collection method: clinical testing. Allele origin: germline. Not counted in ClinVar's aggregate classification.

PreventionGenetics, part of Exact Sciences
Classification: Likely benign for EVC-related condition. Last evaluated: 2019-04-02. Review status: no assertion criteria provided. Collection method: clinical testing. Allele origin: germline. Not counted in ClinVar's aggregate classification.
Comment: This variant is classified as likely benign based on ACMG/AMP sequence variant interpretation guidelines (Richards et al. 2015 PMID: 25741868, with internal and published modifications).

Genome Diagnostics Laboratory, University Medical Center Utrecht
Classification: Benign. Review status: no assertion criteria provided. Collection method: clinical testing. Allele origin: germline. Affected: yes. Study: VKGL Data-share Consensus. Not counted in ClinVar's aggregate classification.

Laboratory of Diagnostic Genome Analysis, Leiden University Medical Center (LUMC)
Classification: Likely benign. Review status: no assertion criteria provided. Collection method: clinical testing. Allele origin: germline. Affected: yes. Study: VKGL Data-share Consensus. Not counted in ClinVar's aggregate classification.